The following is an entry in ClinVar:

NM_007294.4(BRCA1):c.3851_3852dup (p.Leu1285fs)

Genes: BRCA1 (BRCA1 DNA repair associated; minus strand), LOC126862571 (BRD4-independent group 4 enhancer GRCh37_chr17:41243136-41244335; plus strand). Cytogenetic location: 17q21.31.
Variant type: Duplication.
Coding change: c.3851_3852dup on transcript NM_007294.4 (MANE Select); coding-DNA positions 3851 to 3852, 2 bases duplicated (AC; older notation c.3851_3852dupAC).
Protein change: p.Leu1285fs; shifts the reading frame from leucine 1285.
Molecular consequence: frameshift variant. On other transcripts: intron variant (135).
Genome position (GRCh38, 1-based): chr17:43,091,679-43,091,680, GT duplicated on the plus strand (AC on the coding strand, the reverse complement: BRCA1 is on the minus strand); duplicating any 2 consecutive bases within chr17:43,091,679-43,091,681 gives the same sequence; the c. name uses the placement nearest the transcript's 3' end. VCF-style (leftmost placement, unchanged base first): chr17-43091678-G-GGT. GRCh37 (hg19) VCF-style: chr17-41243695-G-GGT.
Other names: 3971insAC; c.3710_3711dup, p.Leu1238fs (NM_001407850.1, NM_001407851.1, NM_001407852.1 and 29 more transcripts); c.3638_3639dup, p.Leu1214fs (NM_001407853.1, NM_001407894.1, NM_001407895.1 and 9 more transcripts); c.3851_3852dup, p.Leu1285fs (NM_001407854.1, NM_001407858.1, NM_001407859.1 and 30 more transcripts); c.3848_3849dup, p.Leu1284fs (NM_001407860.1, NM_001407861.1, NM_001407587.1 and 22 more transcripts); c.3650_3651dup, p.Leu1218fs (NM_001407862.1); c.3728_3729dup, p.Leu1244fs (NM_001407863.1, NM_001407919.1, NM_001407937.1 and 19 more transcripts); c.3647_3648dup, p.Leu1217fs (NM_001407874.1, NM_001407875.1); and 42 more; short protein forms L1238fs, L1285fs, L1158fs, L1258fs, L1284fs, L1117fs, L1157fs, L1173fs.
Identifiers: ClinVar variation 266412 (VCV000266412.9), dbSNP rs397507221, ClinGen allele CA002481.

ClinVar aggregate classification (germline): Pathogenic. Review status: reviewed by expert panel (3 of 4 stars). 4 submissions from 4 submitters: Pathogenic (1). 3 of the submissions do not count toward it. Last evaluated 2016-10-18.

Conditions:
Hereditary breast ovarian cancer syndrome. Also called: Hereditary breast and ovarian cancer syndrome (HBOC); Breast and ovarian cancer; Hereditary breast and ovarian cancer syndrome; Hereditary breast and ovarian cancer; BRCA1- and BRCA2-Associated Hereditary Breast and Ovarian Cancer; Hereditary breast and/or ovarian cancer syndrome. Identifiers: Orphanet 145, MedGen C0677776, MeSH D061325, MONDO:0003582. Disease mechanism: loss of function.
Breast-ovarian cancer, familial, susceptibility to, 1 (BROVCA1). Also called: BRCA1 Hereditary Breast and Ovarian Cancer; OVARIAN CANCER, SUSCEPTIBILITY TO. Identifiers: Orphanet 145, MedGen C2676676, MONDO:0011450, OMIM 604370. Disease mechanism: loss of function.

Submissions (4):

Evidence-based Network for the Interpretation of Germline Mutant Alleles (ENIGMA)
Classification: Pathogenic for Breast-ovarian cancer, familial, susceptibility to, 1. Last evaluated: 2016-10-18. Review status: reviewed by expert panel. Criteria: ENIGMA BRCA1/2 Classification Criteria (2015). Collection method: curation. Allele origin: germline.
Comment: Variant allele predicted to encode a truncated non-functional protein.

Labcorp Genetics (formerly Invitae), Labcorp
Classification: Pathogenic for Hereditary breast ovarian cancer syndrome. Last evaluated: 2022-11-10. Review status: criteria provided, single submitter. Criteria: Invitae Variant Classification Sherloc (09022015). Collection method: clinical testing. Allele origin: germline. Not counted in ClinVar's aggregate classification.
Comment: This sequence change creates a premature translational stop signal (p.Leu1285Thrfs*23) in the BRCA1 gene. It is expected to result in an absent or disrupted protein product. Loss-of-function variants in BRCA1 are known to be pathogenic (PMID: 20104584). This variant is not present in population databases (gnomAD no frequency). This variant has not been reported in the literature in individuals affected with BRCA1-related conditions. ClinVar contains an entry for this variant (Variation ID: 266412). For these reasons, this variant has been classified as Pathogenic.

Consortium of Investigators of Modifiers of BRCA1/2 (CIMBA), c/o University of Cambridge
Classification: Pathogenic for Breast-ovarian cancer, familial, susceptibility to, 1. Last evaluated: 2015-10-02. Review status: criteria provided, single submitter. Criteria: CIMBA Mutation Classification guidelines May 2016. Collection method: clinical testing. Allele origin: germline. Not counted in ClinVar's aggregate classification.

Sharing Clinical Reports Project (SCRP)
Classification: Pathogenic for Breast-ovarian cancer, familial 1. Last evaluated: 2010-08-04. Review status: no assertion criteria provided. Collection method: clinical testing. Allele origin: germline. Not counted in ClinVar's aggregate classification.

Literature cited by the submitters: PubMed 20104584 (cited by Labcorp Genetics (formerly Invitae), Labcorp).